The following is an entry in ClinVar:

ClinVar aggregate classification (germline): Uncertain significance (1 of 4 stars; one submission).

Submission:

GeneDx
Classification: Uncertain significance. Last evaluated: 2023-06-14. Review status: criteria provided, single submitter. Criteria: GeneDx Variant Classification Process June 2021. Collection method: clinical testing. Allele origin: germline. Affected: yes.
Comment: Not observed at significant frequency in large population cohorts (gnomAD); In silico analysis supports that this missense variant does not alter protein structure/function; Has not been previously published as pathogenic or benign to our knowledge

NM_016333.4(SRRM2):c.7277C>T (p.Ser2426Phe)

Gene: SRRM2 (serine/arginine repetitive matrix 2; plus strand). Cytogenetic location: 16p13.3.
Variant type: single nucleotide variant.
Coding change: c.7277C>T on transcript NM_016333.4 (MANE Select); coding-DNA position 7277, C replaced by T.
Protein change: p.Ser2426Phe; replaces serine 2426 with phenylalanine.
Molecular consequence: missense variant.
Genome position (GRCh38, 1-based): chr16:2,767,805, C>T. VCF-style: chr16-2767805-C-T. GRCh37 (hg19) VCF-style: chr16-2817806-C-T.
Other names: short protein forms S2426F.
Identifiers: ClinVar variation 3359889 (VCV003359889.1).